The following is an entry in ClinVar:

ClinVar aggregate classification (germline): Pathogenic (1 of 4 stars; one submission).

Submission:

Labcorp Genetics (formerly Invitae), Labcorp
Classification: Pathogenic. Last evaluated: 2023-04-15. Review status: criteria provided, single submitter. Criteria: Invitae Variant Classification Sherloc (09022015). Collection method: clinical testing. Allele origin: germline.
Comment: For these reasons, this variant has been classified as Pathogenic. This variant has not been reported in the literature in individuals affected with TET2-related conditions. This variant is not present in population databases (gnomAD no frequency). This sequence change creates a premature translational stop signal (p.Arg902Metfs*22) in the TET2 gene. It is expected to result in an absent or disrupted protein product. Loss-of-function variants in TET2 are known to be pathogenic (PMID: 36066697).

Literature cited by the submitters: PubMed 36066697.

NM_001127208.3(TET2):c.2704_2705insT (p.Arg902fs)

Genes: TET2 (tet methylcytosine dioxygenase 2; plus strand), TET2-AS1 (TET2 antisense RNA 1; minus strand). Cytogenetic location: 4q24.
Variant type: Insertion.
Coding change: c.2704_2705insT on transcript NM_001127208.3 (MANE Select); coding-DNA positions 2704 to 2705, T inserted.
Protein change: p.Arg902fs; shifts the reading frame from arginine 902.
Molecular consequence: frameshift variant.
Genome position: GRCh38 VCF-style: chr4-105236646-A-AT. GRCh37 (hg19) VCF-style: chr4-106157803-A-AT.
Other names: c.2704_2705insT, p.Arg902fs (NM_017628.4); short protein forms R902fs.
Identifiers: ClinVar variation 2856438 (VCV002856438.3), dbSNP rs2476503118, ClinGen allele CA2739270239.